The following is an entry in ClinVar:

NM_000094.4(COL7A1):c.6362G>A (p.Ser2121Asn)

Gene: COL7A1 (collagen type VII alpha 1 chain; minus strand). Cytogenetic location: 3p21.31.
Variant type: single nucleotide variant.
Coding change: c.6362G>A on transcript NM_000094.4 (MANE Select); coding-DNA position 6362, G replaced by A.
Protein change: p.Ser2121Asn; replaces serine 2121 with asparagine.
Molecular consequence: missense variant.
Genome position (GRCh38, 1-based): chr3:48,574,708, C>T on the plus strand (G>A on the coding strand, the complement: COL7A1 is on the minus strand). VCF-style: chr3-48574708-C-T. GRCh37 (hg19) VCF-style: chr3-48612141-C-T.
Other names: short protein forms S2121N.
Identifiers: ClinVar variation 3665383 (VCV003665383.2).
Genomic context (GRCh38, chr3:48,574,708, plus strand): 5'-CTCTATGGAAGGGTGGAGAGAGGCCTCACCCTGTCTCCTTTGGGACCTTGGTCACCATTG[C>T]TGCCCGGCTCCCCCTGTGGGGATGAGATGTCAAGTCAGTCCCTAGTGCCATGGCAGAGGG-3'
Protein context (NP_000085.1, residues 2111-2131): GLKGAKGEPG[Ser2121Asn]NGDQGPKGDR

ClinVar aggregate classification (germline): Uncertain significance (1 of 4 stars; one submission).

gnomAD v4.1: 1 of 1,613,856 alleles (0.000062%); highest among the groups gnomAD compares: African/African-American, 0.0013%; no homozygotes.

Submission:

Labcorp Genetics (formerly Invitae), Labcorp
Classification: Uncertain significance. Last evaluated: 2024-11-16. Review status: criteria provided, single submitter. Criteria: Invitae Variant Classification Sherloc (09022015). Collection method: clinical testing. Allele origin: germline.
Comment: This sequence change replaces serine, which is neutral and polar, with asparagine, which is neutral and polar, at codon 2121 of the COL7A1 protein (p.Ser2121Asn). This variant is not present in population databases (gnomAD no frequency). This variant has not been reported in the literature in individuals affected with COL7A1-related conditions. Invitae Evidence Modeling of protein sequence and biophysical properties (such as structural, functional, and spatial information, amino acid conservation, physicochemical variation, residue mobility, and thermodynamic stability) indicates that this missense variant is not expected to disrupt COL7A1 protein function with a negative predictive value of 95%. In summary, the available evidence is currently insufficient to determine the role of this variant in disease. Therefore, it has been classified as a Variant of Uncertain Significance.